The following is an entry in ClinVar:

ClinVar aggregate classification (germline): Benign. Review status: criteria provided, multiple submitters, no conflicts (2 of 4 stars). 5 submissions from 5 submitters: Benign (4). 1 of the submissions does not count toward it. Last evaluated 2026-02-01.

Conditions:
DNAH9-related disorder. Also called: DNAH9-related condition.

Allele frequency attached by ClinVar (database versions not stated): ESP Exome Variant Server 0.00031; gnomAD 0.00267 and 0.00286; 1000 Genomes Project 30x 0.00640; gnomAD exomes 0.00763 and 0.00175; TOPMed 0.00528; ExAC 0.00556; 1000 Genomes Project 0.00599.
gnomAD v4.1: 2,977 of 1,614,124 alleles (0.18%); highest among the groups gnomAD compares: Admixed American, 4.4%; 75 homozygotes.

Submissions (5):

Labcorp Genetics (formerly Invitae), Labcorp
Classification: Benign. Last evaluated: 2026-02-01. Review status: criteria provided, single submitter. Criteria: Invitae Variant Classification Sherloc (09022015). Collection method: clinical testing. Allele origin: germline.

Mayo Clinic Laboratories, Mayo Clinic
Classification: Benign. Last evaluated: 2023-03-10. Review status: criteria provided, single submitter. Criteria: ACMG Guidelines, 2015. Collection method: clinical testing. Allele origin: germline. Observed: 4 variant alleles.

GeneDx
Classification: Benign. Last evaluated: 2021-05-04. Review status: criteria provided, single submitter. Criteria: GeneDx Variant Classification Process June 2021. Collection method: clinical testing. Allele origin: germline. Affected: yes.

Breakthrough Genomics
Classification: Benign. Review status: criteria provided, single submitter. Criteria: ACMG Guidelines, 2015. Collection method: not provided. Allele origin: germline. Inheritance: Autosomal recessive inheritance. Affected: yes.

PreventionGenetics, part of Exact Sciences
Classification: Benign for DNAH9-related condition. Last evaluated: 2019-05-19. Review status: no assertion criteria provided. Collection method: clinical testing. Allele origin: germline. Not counted in ClinVar's aggregate classification.
Comment: This variant is classified as benign based on ACMG/AMP sequence variant interpretation guidelines (Richards et al. 2015 PMID: 25741868, with internal and published modifications).

NM_001372.4(DNAH9):c.3050A>G (p.Tyr1017Cys)

Genes: DNAH9 (dynein axonemal heavy chain 9; plus strand), LOC126862505 (BRD4-independent group 4 enhancer GRCh37_chr17:11572478-11573677; plus strand). Cytogenetic location: 17p12.
Variant type: single nucleotide variant.
Coding change: c.3050A>G on transcript NM_001372.4 (MANE Select); coding-DNA position 3050, A replaced by G.
Protein change: p.Tyr1017Cys; replaces tyrosine 1017 with cysteine.
Molecular consequence: missense variant.
Genome position (GRCh38, 1-based): chr17:11,669,491, A>G. VCF-style: chr17-11669491-A-G. GRCh37 (hg19) VCF-style: chr17-11572808-A-G.
Other names: p.Tyr1017Cys; short protein forms Y1017C.
Identifiers: ClinVar variation 770639 (VCV000770639.15), dbSNP rs139596704, ClinGen allele CA8395353.